The following is an entry in ClinVar:

NM_001386094.1(AGBL1):c.1159G>C (p.Ala387Pro)

Gene: AGBL1 (AGBL carboxypeptidase 1; plus strand). Cytogenetic location: 15q25.3.
Variant type: single nucleotide variant.
Coding change: c.1159G>C on transcript NM_001386094.1 (MANE Select); coding-DNA position 1159, G replaced by C.
Protein change: p.Ala387Pro; replaces alanine 387 with proline.
Molecular consequence: missense variant.
Genome position (GRCh38, 1-based): chr15:86,264,330, G>C. VCF-style: chr15-86264330-G-C. GRCh37 (hg19) VCF-style: chr15-86807561-G-C.
Other names: c.1159G>C, p.Ala387Pro (NM_152336.4); short protein forms A387P.
Identifiers: ClinVar variation 3047436 (VCV003047436.2), dbSNP rs1451106042, ClinGen allele CA393405898.

ClinVar aggregate classification (germline): Uncertain significance (0 of 4 stars; one submission).

Conditions:
AGBL1-related disorder. Also called: AGBL1-related condition.

Submission:

PreventionGenetics, part of Exact Sciences
Classification: Uncertain significance for AGBL1-related condition. Last evaluated: 2024-01-25. Review status: no assertion criteria provided. Collection method: clinical testing. Allele origin: germline.
Comment: The AGBL1 c.1159G>C variant is predicted to result in the amino acid substitution p.Ala387Pro. To our knowledge, this variant has not been reported in the literature or in a large population database, indicating this variant is rare. At this time, the clinical significance of this variant is uncertain due to the absence of conclusive functional and genetic evidence.